The following is an entry in ClinVar:

NM_004364.5(CEBPA):c.1051G>C (p.Val351Leu)

Gene: CEBPA (CCAAT enhancer binding protein alpha; minus strand). Cytogenetic location: 19q13.11.
Variant type: single nucleotide variant.
Coding change: c.1051G>C on transcript NM_004364.5 (MANE Select); coding-DNA position 1051, G replaced by C.
Protein change: p.Val351Leu; replaces valine 351 with leucine.
Molecular consequence: missense variant.
Genome position (GRCh38, 1-based): chr19:33,301,364, C>G on the plus strand (G>C on the coding strand, the complement: CEBPA is on the minus strand). VCF-style: chr19-33301364-C-G. GRCh37 (hg19) VCF-style: chr19-33792270-C-G.
Other names: c.694G>C, p.Val232Leu (NM_001285829.2); c.1156G>C, p.Val386Leu (NM_001287424.2); c.1009G>C, p.Val337Leu (NM_001287435.2); short protein forms V232L, V351L, V386L, V337L.
Identifiers: ClinVar variation 1514874 (VCV001514874.12), dbSNP rs373210526, ClinGen allele CA307844084.
Genomic context (GRCh38, chr19:33,301,364, plus strand): 5'-AGGCTGGCCCAGGGCGGTCCCACAGCCGCGCGCCTCACGCGCAGTTGCCCATGGCCTTGA[C>G]CAAGGAGCTCTCTGGCAGCTGGCGGAAGATGCCCCGCAGCGTGTCCAGTTCGCGGCTCAG-3'
Protein context (NP_004355.2, residues 341-358): IFRQLPESSL[Val351Leu]KAMGNCA

ClinVar aggregate classification (germline): Uncertain significance. Review status: criteria provided, multiple submitters, no conflicts (2 of 4 stars). 5 submissions from 5 submitters: Uncertain significance (5). Last evaluated 2025-03-10.

Conditions:
Hereditary cancer-predisposing syndrome. Also called: Neoplastic Syndromes, Hereditary; Tumor predisposition; Hereditary Cancer Syndrome; Hereditary neoplastic syndrome. Identifiers: Orphanet 140162, MedGen C0027672, MeSH D009386, MONDO:0015356.
Inborn genetic diseases. Identifiers: MedGen C0950123, MeSH D030342.
Acute myeloid leukemia (AML). Also called: Leukemia, acute myeloid, somatic; Leukemia, acute myelogenous, somatic; Acute myeloid leukemia, adult; AML adult; Acute non-lymphocytic leukemia; Acute granulocytic leukemia. Identifiers: Orphanet 519, MedGen C0023467, MeSH D015470, MONDO:0018874, OMIM 601626, HP:0004808. Disease mechanism: Constitutively activated FLT3.

Allele frequency attached by ClinVar (database versions not stated): gnomAD exomes below 0.00001.

Submissions (5):

Ambry Genetics
Classification: Uncertain significance for Inborn genetic diseases. Last evaluated: 2025-03-10. Review status: criteria provided, single submitter. Criteria: Ambry Variant Classification Scheme 2023. Collection method: clinical testing. Allele origin: germline.
Comment: The p.V351L variant (also known as c.1051G>C), located in coding exon 1 of the CEBPA gene, results from a G to C substitution at nucleotide position 1051. The valine at codon 351 is replaced by leucine, an amino acid with highly similar properties. This amino acid position is conserved. In addition, this alteration is predicted to be tolerated by in silico analysis. Based on the available evidence, the clinical significance of this variant remains unclear.

Labcorp Genetics (formerly Invitae), Labcorp
Classification: Uncertain significance for Acute myeloid leukemia. Last evaluated: 2023-07-19. Review status: criteria provided, single submitter. Criteria: Invitae Variant Classification Sherloc (09022015). Collection method: clinical testing. Allele origin: germline.
Comment: In summary, the available evidence is currently insufficient to determine the role of this variant in disease. Therefore, it has been classified as a Variant of Uncertain Significance. An algorithm developed to predict the effect of missense changes on protein structure and function (PolyPhen-2) suggests that this variant is likely to be disruptive. ClinVar contains an entry for this variant (Variation ID: 1514874). This variant has not been reported in the literature in individuals affected with CEBPA-related conditions. The frequency data for this variant in the population databases is considered unreliable, as metrics indicate poor data quality at this position in the gnomAD database. This sequence change replaces valine, which is neutral and non-polar, with leucine, which is neutral and non-polar, at codon 351 of the CEBPA protein (p.Val351Leu).

GeneDx
Classification: Uncertain significance. Last evaluated: 2022-06-14. Review status: criteria provided, single submitter. Criteria: GeneDx Variant Classification Process June 2021. Collection method: clinical testing. Allele origin: germline. Affected: yes.
Comment: Not observed at significant frequency in large population cohorts (gnomAD); In silico analysis supports that this missense variant does not alter protein structure/function; Has not been previously published as pathogenic or benign to our knowledge; This variant is associated with the following publications: (PMID: 21455213)

Blueprint Genetics
Classification: Uncertain significance. Last evaluated: 2022-03-27. Review status: criteria provided, single submitter. Criteria: ACMG Guidelines, 2015. Collection method: clinical testing. Allele origin: germline.

Sema4
Classification: Uncertain significance for Hereditary cancer-predisposing syndrome. Last evaluated: 2021-12-02. Review status: criteria provided, single submitter. Criteria: Sema4 Curation Guidelines. Collection method: curation. Allele origin: germline.
Comment: The CEBPA c.1051G>C (p.V351L) variant has not been reported in the literature to our knowledge. It was observed in 1/30176 chromosomes of the South Asian subpopulation in the large and broad cohorts of the Genome Aggregation Database (PMID: 32461654). The variant has not been reported in ClinVar. In silico tools suggest the impact of the variant on protein function is benign, though these predictions have not been confirmed by functional studies. The evidence is insufficient to meet ACMG/AMP criteria for classifying the variant as benign or pathogenic. Thus, the clinical significance of this variant is currently uncertain.